The following continues an entry in ClinVar:

NM_153704.6(TMEM67):c.622A>T (p.Arg208Ter)

Gene: TMEM67. ClinVar aggregate classification (germline): Pathogenic/Likely pathogenic. Pathogenic (17); Likely pathogenic (1).

Submissions 13 to 25 of 25:

Centre for Mendelian Genomics, University Medical Centre Ljubljana
Classification: Pathogenic for RHYNS syndrome. Last evaluated: 2019-09-11. Review status: criteria provided, single submitter. Criteria: ACMG Guidelines, 2015. Collection method: clinical testing. Allele origin: unknown. Affected: yes.
Comment: This variant was classified as: Pathogenic. The following ACMG criteria were applied in classifying this variant: PVS1,PP5.

Illumina Laboratory Services, Illumina
Classification: Pathogenic for TMEM67-Related Disorders. Last evaluated: 2017-04-27. Review status: criteria provided, single submitter. Criteria: ICSL Variant Classification Criteria 09 May 2019. Collection method: clinical testing. Allele origin: germline.
Comment: The TMEM67 c.622A>T (p.Arg208Ter) variant is a stop-gained variant and is predicted result in premature termination of the TMEM67 protein. Across a selection of available literature, the p.Arg208Ter variant has been identified in 12 patients with a phenotype of nephronophthisis, Joubert syndrome, or Meckel syndrome, including in a compound heterozygous state in nine patients and in a heterozygous state in three affected patients in whom a second variant was not identified, and in a heterozygous state in seven unaffected family members (Consugar et al. 2007; Khaddour et al. 2007; Otto et al. 2009; Halbritter et al. 2013). The p.Arg208Ter variant was absent from 388 controls and is reported at a frequency of 0.00024 in the European (non-Finnish) population of the Exome Aggregation Consortium. Based on the evidence and the potential impact of stop-gained variants, the p.Arg208Ter variant is classified as pathogenic for TMEM67-related disorders. This variant was observed by ICSL as part of a predisposition screen in an ostensibly healthy population.

Eurofins Ntd Llc (ga)
Classification: Pathogenic. Last evaluated: 2016-07-25. Review status: criteria provided, single submitter. Criteria: EGL Classification Definitions 2015. Collection method: clinical testing. Allele origin: germline. Observed: 3 variant alleles, 3 heterozygotes.

UW Hindbrain Malformation Research Program, University of Washington
Classification: Pathogenic for Joubert syndrome 6. Last evaluated: 2015-02-23. Review status: criteria provided, single submitter. Criteria: Bachmann-Gagescu et al. (J Med Genet. 2015). Collection method: research. Allele origin: unknown. Affected: yes.

Genetic Services Laboratory, University of Chicago
Classification: Pathogenic for Joubert syndrome 6. Last evaluated: 2014-10-16. Review status: criteria provided, single submitter. Criteria: ACMG Guidelines, 2015. Collection method: clinical testing. Allele origin: germline. Affected: yes.

Rady Children's Institute for Genomic Medicine, Rady Children's Hospital San Diego
Classification: Pathogenic for TMEM67-Related Disorders. Review status: criteria provided, single submitter. Criteria: ACMG Guidelines, 2015. Collection method: clinical testing. Allele origin: germline. Affected: yes.
Comment: This variant results in a c.379A>T (p.Arg127Ter) change in an alternate TMEM67 transcript NM_001142301. This gene is also known as MKS3 in the literature (PMID: 17397051). This nonsense variant found in exon 7 of 28 is predicted to result in loss of normal protein function through either protein truncation or nonsense-mediated mRNA decay (NMD). This variant has been previously reported in the compound heterozygous state in individuals with Joubert Syndrome, Meckel-Gruber syndrome, and nephronophthisis (PMID: 17397051, 21866095, 26092869, 17377820, 23559409). Loss-of-function variation in TMEM67 has been reported in affected individuals in the literature (PMID: 17397051, 21866095, 26092869, 17377820, 23559409). The c.622A>T (p.Arg208Ter) variant is present in the heterozygous state in the gnomAD population database at a frequency of 0.017% (49/282,794). Based on the available evidence, the c.622A>T (p.Arg208Ter) variant is classified as Pathogenic.

OMIM
Classification: Pathogenic for MECKEL SYNDROME, TYPE 3. Last evaluated: 2009-10-01. Review status: no assertion criteria provided. Collection method: literature only. Allele origin: germline. Not counted in ClinVar's aggregate classification.

OMIM
Classification: Pathogenic for JOUBERT SYNDROME 6. Last evaluated: 2009-10-01. Review status: no assertion criteria provided. Collection method: literature only. Allele origin: germline. Not counted in ClinVar's aggregate classification.

OMIM
Classification: Pathogenic for RHYNS SYNDROME (1 patient). Last evaluated: 2009-10-01. Review status: no assertion criteria provided. Collection method: literature only. Allele origin: germline. Not counted in ClinVar's aggregate classification.

Clinical Genetics DNA and cytogenetics Diagnostics Lab, Erasmus MC, Erasmus Medical Center
Classification: Pathogenic. Review status: no assertion criteria provided. Collection method: clinical testing. Allele origin: germline. Affected: yes. Study: VKGL Data-share Consensus. Not counted in ClinVar's aggregate classification.

Clinical Genetics, Academic Medical Center
Classification: Pathogenic. Review status: no assertion criteria provided. Collection method: clinical testing. Allele origin: germline. Affected: yes. Study: VKGL Data-share Consensus. Not counted in ClinVar's aggregate classification.

Genome Diagnostics Laboratory, University Medical Center Utrecht
Classification: Pathogenic. Review status: no assertion criteria provided. Collection method: clinical testing. Allele origin: germline. Affected: yes. Study: VKGL Data-share Consensus. Not counted in ClinVar's aggregate classification.

Joint Genome Diagnostic Labs from Nijmegen and Maastricht, Radboudumc and MUMC+
Classification: Pathogenic. Review status: no assertion criteria provided. Collection method: clinical testing. Allele origin: germline. Affected: yes. Study: VKGL Data-share Consensus. Not counted in ClinVar's aggregate classification.

Literature cited by the submitters: PubMed 20232449 (cited by Labcorp Genetics (formerly Invitae), Labcorp); PubMed 23559409 (cited by 3 submitters); PubMed 17377820 (cited by 4 submitters); PubMed 17397051 (cited by 4 submitters); PubMed 21866095 (cited by 3 submitters); PubMed 26092869 (cited by Labcorp Genetics (formerly Invitae), Labcorp and Ambry Genetics); PubMed 19508969 (cited by 3 submitters); PubMed 23351400 (cited by Ambry Genetics); PubMed 28497568 (cited by Ambry Genetics); PubMed 28680603 (cited by Ambry Genetics); PubMed 28973083 (cited by Ambry Genetics); PubMed 29146704 (cited by Women's Health and Genetics/Laboratory Corporation of America, LabCorp); PubMed 25920555 (cited by Eurofins Ntd Llc (ga)); PubMed 9375913 (cited by OMIM); PubMed 29891882 (cited by OMIM).